The following is an entry in ClinVar:

ClinVar aggregate classification (germline): Uncertain significance (1 of 4 stars; one submission).

Allele frequency attached by ClinVar (database versions not stated): TOPMed 0.00002; gnomAD exomes 0.00004 and 0.00002; ExAC 0.00007; ESP Exome Variant Server 0.00008; gnomAD 0.00002.

Submission:

GeneDx
Classification: Uncertain significance. Last evaluated: 2019-10-21. Review status: criteria provided, single submitter. Criteria: GeneDx Variant Classification Process June 2021. Collection method: clinical testing. Allele origin: germline. Affected: yes.
Comment: Not observed at a significant frequency in large population cohorts (Lek et al., 2016); In silico analysis, which includes protein predictors and evolutionary conservation, supports a deleterious effect; Identified in an individual with elevated C4 and elevated IBD in urine identified by positive newborn screening; this individual was also heterozygous for a second variant in ACAD8, but the phase of these variants was not reported (Navarrete et al., 2019); This variant is associated with the following publications: (PMID: 30626930)

NM_014384.3(ACAD8):c.617G>A (p.Arg206Gln)

Gene: ACAD8 (acyl-CoA dehydrogenase family member 8; plus strand). Cytogenetic location: 11q25.
Variant type: single nucleotide variant.
Coding change: c.617G>A on transcript NM_014384.3 (MANE Select); coding-DNA position 617, G replaced by A.
Protein change: p.Arg206Gln; replaces arginine 206 with glutamine.
Molecular consequence: missense variant.
Genome position (GRCh38, 1-based): chr11:134,259,657, G>A. VCF-style: chr11-134259657-G-A. GRCh37 (hg19) VCF-style: chr11-134129551-G-A.
Other names: short protein forms R206Q.
Identifiers: ClinVar variation 1310239 (VCV001310239.2), dbSNP rs374148675, ClinGen allele CA6373018.